The following is an entry in ClinVar:

ClinVar aggregate classification (germline): Likely pathogenic (1 of 4 stars; one submission).

Conditions:
GNE myopathy (NM). Also called: NONAKA DISTAL MYOPATHY; MYOPATHY, DISTAL, WITH OR WITHOUT RIMMED VACUOLES; INCLUSION BODY MYOPATHY, HEREDITARY, AUTOSOMAL RECESSIVE; INCLUSION BODY MYOPATHY 2, AUTOSOMAL RECESSIVE; IBM 2; Inclusion body myopathy autosomal recessive. Identifiers: Orphanet 602, MedGen C1853926, MONDO:0011603, OMIM 605820.
Sialuria. Also called: SIALURIA, FRENCH TYPE; Sialic Acid Storage Disease. Identifiers: Orphanet 3166, MedGen C0342853, MONDO:0010028, OMIM 269921.

Submission:

Kariminejad - Najmabadi Pathology & Genetics Center
Classification: Likely pathogenic for GNE myopathy; Sialuria. Last evaluated: 2024-02-29. Review status: criteria provided, single submitter. Criteria: ACMG Guidelines, 2015. Collection method: clinical testing. Allele origin: germline. Inheritance: Autosomal recessive inheritance. Affected: yes. Observed: 2 variant alleles.
Comment: PM2_M,PP3_M,PM5_sp,PM1_SP,PP2_SP?

NM_005476.7(GNE):c.1584T>A (p.Phe528Leu)

Gene: GNE (glucosamine (UDP-N-acetyl)-2-epimerase/N-acetylmannosamine kinase; minus strand). Cytogenetic location: 9p13.3.
Variant type: single nucleotide variant.
Coding change: c.1584T>A on transcript NM_005476.7 (MANE Select); coding-DNA position 1584, T replaced by A.
Protein change: p.Phe528Leu; replaces phenylalanine 528 with leucine.
Molecular consequence: missense variant. On other transcripts: intron variant (1).
Genome position (GRCh38, 1-based): chr9:36,222,826, A>T on the plus strand (T>A on the coding strand, the complement: GNE is on the minus strand). VCF-style: chr9-36222826-A-T. GRCh37 (hg19) VCF-style: chr9-36222823-A-T.
Other names: c.1677T>A, p.Phe559Leu (NM_001128227.3); c.1254T>A, p.Phe418Leu (NM_001190384.3); c.1407T>A, p.Phe469Leu (NM_001190388.2, NM_001374798.1); c.1431T>A, p.Phe477Leu (NM_001374797.1); c.1411+547T>A (NM_001190383.3); short protein forms F418L, F469L, F477L, F528L, F559L.
Identifiers: ClinVar variation 3896935 (VCV003896935.1).